The following is an entry in ClinVar:

ClinVar aggregate classification (germline): Likely benign (0 of 4 stars; one submission).

Conditions:
ZFHX2-related disorder. Also called: ZFHX2-related condition.

Allele frequency attached by ClinVar (database versions not stated): ExAC 0.00042; gnomAD 0.00056; TOPMed 0.00056; gnomAD exomes 0.00098.
gnomAD v4.1: 1,430 of 1,536,270 alleles (0.093%); highest among the groups gnomAD compares: Non-Finnish European, 0.11%; 3 homozygotes.

Submission:

PreventionGenetics, part of Exact Sciences
Classification: Likely benign for ZFHX2-related condition. Last evaluated: 2019-11-06. Review status: no assertion criteria provided. Collection method: clinical testing. Allele origin: germline.
Comment: This variant is classified as likely benign based on ACMG/AMP sequence variant interpretation guidelines (Richards et al. 2015 PMID: 25741868, with internal and published modifications).

NM_033400.3(ZFHX2):c.5679G>A (p.Glu1893=)

Genes: THTPA (thiamine triphosphatase; plus strand), ZFHX2 (zinc finger homeobox 2; minus strand). Cytogenetic location: 14q11.2.
Variant type: single nucleotide variant.
Coding change: c.5679G>A on transcript NM_033400.3 (MANE Select); coding-DNA position 5679, G replaced by A.
Protein change: p.Glu1893=; no amino-acid change (glutamic acid 1893 retained).
Molecular consequence: synonymous variant.
Genome position (GRCh38, 1-based): chr14:23,524,263, C>T on the plus strand (G>A on the coding strand, the complement: ZFHX2 is on the minus strand). VCF-style: chr14-23524263-C-T. GRCh37 (hg19) VCF-style: chr14-23993472-C-T.
Identifiers: ClinVar variation 3045163 (VCV003045163.2), dbSNP rs200591718, ClinGen allele CA7116874.
Genomic context (GRCh38, chr14:23,524,263, plus strand): 5'-CCTCTCCCGGGCCCTGGTATTCTGGAACCAGACCTGTACCACTCGCTTTTTGAGCCCCAC[C>T]TCCTCGGAGATGCAGTCGAGCATCTTGCGTGTTGGGTTGGAATCCTGCATGTACCAACGG-3'
Protein context (NP_207646.2, residues 1883-1903): TRKMLDCISE[Glu1893=]VGLKKRVVQV